The following is an entry in ClinVar:

ClinVar aggregate classification (germline): Pathogenic (1 of 4 stars; one submission).

Conditions:
Ehlers-Danlos syndrome, kyphoscoliotic type 1 (EDSKSCL1). Also called: EHLERS-DANLOS SYNDROME, OCULAR-SCOLIOTIC TYPE; PLOD1-Related Kyphoscoliotic Ehlers-Danlos Syndrome; EHLERS-DANLOS SYNDROME, TYPE VIA; Ehlers-Danlos syndrome, hydroxylysine-deficient. Identifiers: Orphanet 1900, MedGen C0268342, MONDO:0016002, OMIM 225400. Disease mechanism: loss of function.

Submission:

Labcorp Genetics (formerly Invitae), Labcorp
Classification: Pathogenic for Ehlers-Danlos syndrome, kyphoscoliotic type 1. Last evaluated: 2024-02-24. Review status: criteria provided, single submitter. Criteria: Invitae Variant Classification Sherloc (09022015). Collection method: clinical testing. Allele origin: germline.
Comment: This sequence change creates a premature translational stop signal (p.Tyr675*) in the PLOD1 gene. While this is not anticipated to result in nonsense mediated decay, it is expected to disrupt the last 53 amino acid(s) of the PLOD1 protein. This variant is not present in population databases (gnomAD no frequency). This premature translational stop signal has been observed in individual(s) with Ehlers-Danlos syndrome, kyphoscoliotic form (PMID: 25277362). It has also been observed to segregate with disease in related individuals. ClinVar contains an entry for this variant (Variation ID: 1404450). This variant disrupts a region of the PLOD1 protein in which other variant(s) (p.Gly678Arg) have been determined to be pathogenic (PMID: 8163671, 21699693, 25637337). This suggests that this is a clinically significant region of the protein, and that variants that disrupt it are likely to be disease-causing. For these reasons, this variant has been classified as Pathogenic.

Literature cited by the submitters: PubMed 25277362; PubMed 8163671; PubMed 21699693; PubMed 25637337.

NM_000302.4(PLOD1):c.2025C>G (p.Tyr675Ter)

Gene: PLOD1 (procollagen-lysine,2-oxoglutarate 5-dioxygenase 1; plus strand). Cytogenetic location: 1p36.22.
Variant type: single nucleotide variant.
Coding change: c.2025C>G on transcript NM_000302.4 (MANE Select); coding-DNA position 2025, C replaced by G.
Protein change: p.Tyr675Ter; replaces tyrosine 675 with a stop codon.
Molecular consequence: nonsense.
Genome position (GRCh38, 1-based): chr1:11,972,994, C>G. VCF-style: chr1-11972994-C-G. GRCh37 (hg19) VCF-style: chr1-12033051-C-G.
Other names: c.2166C>G, p.Tyr722Ter (NM_001316320.2); short protein forms Y722*, Y675*.
Identifiers: ClinVar variation 1404450 (VCV001404450.6), dbSNP rs1434924385, ClinGen allele CA338452518.